The following is an entry in ClinVar:

NM_004415.4(DSP):c.2728G>T (p.Asp910Tyr)

Gene: DSP (desmoplakin; plus strand). Cytogenetic location: 6p24.3.
Variant type: single nucleotide variant.
Coding change: c.2728G>T on transcript NM_004415.4 (MANE Select); coding-DNA position 2728, G replaced by T.
Protein change: p.Asp910Tyr; replaces aspartic acid 910 with tyrosine.
Molecular consequence: missense variant.
Genome position (GRCh38, 1-based): chr6:7,576,391, G>T. VCF-style: chr6-7576391-G-T. GRCh37 (hg19) VCF-style: chr6-7576624-G-T.
Other names: c.2728G>T, p.Asp910Tyr (NM_001008844.3, NM_001319034.2); short protein forms D910Y.
Identifiers: ClinVar variation 4757481 (VCV004757481.1).
Genomic context (GRCh38, chr6:7,576,391, plus strand): 5'-AATTATCGTGATAACTATCAGGCTTTCTGCAAGTGGCTCTATGATGCTAAACGCCGCCAG[G>T]ATTCCTTAGAATCCATGAAATTTGGAGATTCCAACACAGTCATGCGGTTTTTGAATGAGC-3'
Protein context (NP_004406.2, residues 900-920): KWLYDAKRRQ[Asp910Tyr]SLESMKFGDS

ClinVar aggregate classification (germline): Uncertain significance (1 of 4 stars; one submission).

Conditions:
Cardiomyopathy (CMYO). Also called: Cardiomyopathies. Identifiers: Orphanet 167848, MedGen C0878544, MONDO:0004994, HP:0001638. Inheritance: Various modes of inheritance.

gnomAD v4.1: 1 of 1,614,128 alleles (0.000062%); highest among the groups gnomAD compares: South Asian, 0.0011%; no homozygotes.

Submission:

Color Diagnostics, LLC DBA Color Health
Classification: Uncertain significance for Cardiomyopathy. Last evaluated: 2025-07-14. Review status: criteria provided, single submitter. Criteria: ACMG Guidelines, 2015. Collection method: clinical testing. Allele origin: germline.
Comment: This missense variant replaces aspartic acid with tyrosine at codon 910 of the DSP protein. Computational prediction suggests that this variant may not impact protein structure and function. To our knowledge, functional studies have not been reported for this variant. This variant has not been reported in individuals affected with DSP-related disorders in the literature. This variant has been identified in 1/251334 chromosomes in the general population by the Genome Aggregation Database (gnomAD). The available evidence is insufficient to determine the role of this variant in disease conclusively. Therefore, this variant is classified as a Variant of Uncertain Significance.